The following is an entry in ClinVar:

NM_001128840.3(CACNA1D):c.3937A>C (p.Ile1313Leu)

Gene: CACNA1D (calcium voltage-gated channel subunit alpha1 D; plus strand). Cytogenetic location: 3p21.1.
Variant type: single nucleotide variant.
Coding change: c.3937A>C on transcript NM_001128840.3 (MANE Select); coding-DNA position 3937, A replaced by C.
Protein change: p.Ile1313Leu; replaces isoleucine 1313 with leucine.
Molecular consequence: missense variant.
Genome position (GRCh38, 1-based): chr3:53,770,445, A>C. VCF-style: chr3-53770445-A-C. GRCh37 (hg19) VCF-style: chr3-53804472-A-C.
Other names: c.3997A>C, p.Ile1333Leu (NM_000720.4); c.3892A>C, p.Ile1298Leu (NM_001128839.3); short protein forms I1298L, I1313L, I1333L.
Identifiers: ClinVar variation 1302208 (VCV001302208.2), dbSNP rs1267241443, ClinGen allele CA353257359.

ClinVar aggregate classification (germline): Uncertain significance (1 of 4 stars; one submission).

Allele frequency attached by ClinVar (database versions not stated): gnomAD exomes below 0.00001.
gnomAD v4.1: 1 of 1,613,996 alleles (0.000062%); highest among the groups gnomAD compares: East Asian, 0.0022%; no homozygotes.

Submission:

GeneDx
Classification: Uncertain significance. Last evaluated: 2019-06-28. Review status: criteria provided, single submitter. Criteria: GeneDx Variant Classification Process June 2021. Collection method: clinical testing. Allele origin: germline. Affected: yes.
Comment: In silico analysis, which includes protein predictors and evolutionary conservation, supports that this variant does not alter protein structure/function; Has not been previously published as pathogenic or benign to our knowledge